The following is an entry in ClinVar:

NM_000719.7(CACNA1C):c.4242C>T (p.Thr1414=)

Gene: CACNA1C (calcium voltage-gated channel subunit alpha1 C; plus strand). Cytogenetic location: 12p13.33.
Variant type: single nucleotide variant.
Coding change: c.4242C>T on transcript NM_000719.7 (MANE Select); coding-DNA position 4242, C replaced by T.
Protein change: p.Thr1414=; no amino-acid change (threonine 1414 retained).
Molecular consequence: synonymous variant.
Genome position (GRCh38, 1-based): chr12:2,664,834, C>T. VCF-style: chr12-2664834-C-T. GRCh37 (hg19) VCF-style: chr12-2774000-C-T.
Other names: c.4209C>T, p.Thr1403= (NM_001129846.2, NM_001167625.2, NM_001129837.2 and 1 more transcripts); c.4242C>T, p.Thr1414= (NM_001167623.2, NM_001167624.3, NM_001129830.3 and 7 more transcripts); c.4386C>T, p.Thr1462= (NM_199460.4, NM_001129827.2); c.4308C>T, p.Thr1436= (NM_001129829.2); c.4326C>T, p.Thr1442= (NM_001129831.2); c.4302C>T, p.Thr1434= (NM_001129832.2); c.4293C>T, p.Thr1431= (NM_001129836.2); c.4203C>T, p.Thr1401= (NM_001129839.2); and 1 more.
Identifiers: ClinVar variation 519451 (VCV000519451.14), dbSNP rs773062528, ClinGen allele CA6389521.
Genomic context (GRCh38, chr12:2,664,834, plus strand): 5'-CTTGGCATCTGTAGGATGGGCTGCATGAACGTGGCTCTCCCTCCCCTCCAGGTGTGCCAC[C>T]GGGGAGGCCTGGCAGGACATCATGCTGGCCTGCATGCCAGGCAAGAAGTGTGCCCCAGAG-3'
Protein context (NP_000710.5, residues 1404-1424): QAVLLLFRCA[Thr1414=]GEAWQDIMLA

ClinVar aggregate classification (germline): Likely benign. Review status: criteria provided, multiple submitters, no conflicts (2 of 4 stars). 3 submissions from 3 submitters: Likely benign (3). Last evaluated 2026-07-20.

Conditions:
Cardiovascular phenotype. Identifiers: MedGen CN230736.
Long QT syndrome (LQTS). Identifiers: MedGen C0023976, MeSH D008133, MONDO:0002442. Disease mechanism: loss of function. Inheritance: Various modes of inheritance.
CACNA1C-related disorder. Also called: CACNA1C-related condition; CACNA1C-related disorders. Identifiers: MedGen CN381092, MONDO:0700321.

Allele frequency attached by ClinVar (database versions not stated): gnomAD exomes 0.00002; ExAC 0.00002; TOPMed below 0.00001.
gnomAD v4.1: 18 of 1,591,970 alleles (0.0011%); highest among the groups gnomAD compares: Admixed American, 0.0052%; no homozygotes.

Submissions (3):

PreventionGenetics, part of Exact Sciences
Classification: Likely benign for CACNA1C-related condition. Last evaluated: 2026-07-20. Review status: criteria provided, single submitter. Criteria: ACMG Guidelines, 2015. Collection method: clinical testing. Allele origin: germline.
Comment: This variant is classified as likely benign based on ACMG/AMP sequence variant interpretation guidelines (Richards et al. 2015 PMID: 25741868, with internal and published modifications).

Labcorp Genetics (formerly Invitae), Labcorp
Classification: Likely benign for Long QT syndrome. Last evaluated: 2025-09-14. Review status: criteria provided, single submitter. Criteria: Invitae Variant Classification Sherloc (09022015). Collection method: clinical testing. Allele origin: germline.

Ambry Genetics
Classification: Likely benign for Cardiovascular phenotype. Last evaluated: 2017-05-11. Review status: criteria provided, single submitter. Criteria: Ambry Variant Classification Scheme 2023. Collection method: clinical testing. Allele origin: germline.